The following is an entry in ClinVar:

NM_032856.5(WDR73):c.750_751del (p.Cys251fs)

Gene: WDR73 (WD repeat domain 73; minus strand). Cytogenetic location: 15q25.2.
Variant type: Deletion.
Coding change: c.750_751del on transcript NM_032856.5 (MANE Select); coding-DNA positions 750 to 751, 2 bases deleted (TT; older notation c.750_751delTT).
Protein change: p.Cys251fs; shifts the reading frame from cysteine 251.
Molecular consequence: frameshift variant. On other transcripts: non-coding transcript variant (4).
Genome position (GRCh38, 1-based): chr15:84,645,603-84,645,604, AA deleted on the plus strand (TT on the coding strand, the reverse complement: WDR73 is on the minus strand); deleting any 2 consecutive bases within chr15:84,645,603-84,645,605 gives the same sequence; the c. name uses the placement nearest the transcript's 3' end. VCF-style (leftmost placement, unchanged base first): chr15-84645602-CAA-C. GRCh37 (hg19) VCF-style: chr15-85188833-CAA-C.
Other names: short protein forms C251fs.
Identifiers: ClinVar variation 817296 (VCV000817296.1), dbSNP rs1596050243, ClinGen allele CA915946124.
Genomic context (GRCh38, chr15:84,645,602, plus strand): 5'-ACGGATACTGGGCACTGGACTGAGCTCACAGGATGGCAGAGATCCCGGGGGTCAAGAAGA[CAA>C]AGACGCCCATCTGAGCCAAGGCTGGCAATGCTGGGCCCAGGGCCCTGGCCCCAGCTCCCA-3'

ClinVar aggregate classification (germline): Pathogenic (1 of 4 stars; one submission).

Submission:

GeneDx
Classification: Pathogenic. Last evaluated: 2018-10-11. Review status: criteria provided, single submitter. Criteria: GeneDx Variant Classification (06012015). Collection method: clinical testing. Allele origin: germline. Affected: yes.
Comment: The c.750_751delTT variant in the WDR73 gene has not been reported previously as a pathogenic variant nor as a benign variant, to our knowledge. The c.750_751delTT variant causes a frameshift starting with codon Cysteine 251, changes this amino acid to a Serine residue, and creates a premature Stop codon at position 3 of the new reading frame, denoted p.Cys251SerfsX3. This variant is predicted to cause loss of normal protein function either through protein truncation or nonsense-mediated mRNA decay. The c.750_751delTT variant is not observed in large population cohorts (Lek et al., 2016). We interpret c.750_751delTT as a pathogenic variant.